The following is an entry in ClinVar:

NM_015378.4(VPS13D):c.1158G>A (p.Lys386=)

Gene: VPS13D (vacuolar protein sorting 13 homolog D; plus strand). Cytogenetic location: 1p36.22.
Variant type: single nucleotide variant.
Coding change: c.1158G>A on transcript NM_015378.4 (MANE Select); coding-DNA position 1158, G replaced by A.
Protein change: p.Lys386=; no amino-acid change (lysine 386 retained).
Molecular consequence: synonymous variant.
Genome position (GRCh38, 1-based): chr1:12,260,740, G>A. VCF-style: chr1-12260740-G-A. GRCh37 (hg19) VCF-style: chr1-12320797-G-A.
Other names: p.Lys386=; c.1158G>A, p.Lys386= (NM_018156.4).
Identifiers: ClinVar variation 4684620 (VCV004684620.1).
Genomic context (GRCh38, chr1:12,260,740, plus strand): 5'-TTCACCCAAACAGGAGGAAATGTGTCGGATTGAAGAGGAACAGAGCTTTGAGGAATTGAA[G>A]ATTTTGCGTGAACTGGTTCATGATCGATTTCACAAACAGGAAGAACTAGCAGAGGTAAGA-3'
Protein context (NP_056193.2, residues 376-396): IEEEQSFEEL[Lys386=]ILRELVHDRF

ClinVar aggregate classification (germline): Likely benign (1 of 4 stars; one submission).

Submission:

Mayo Clinic Laboratories, Mayo Clinic
Classification: Likely benign. Last evaluated: 2025-01-22. Review status: criteria provided, single submitter. Criteria: ACMG Guidelines, 2015. Collection method: clinical testing. Allele origin: germline. Observed: 1 variant allele.
Comment: BP4, BP7